The following is an entry in ClinVar:

ClinVar aggregate classification (germline): Likely pathogenic (1 of 4 stars; one submission).

Submission:

Labcorp Genetics (formerly Invitae), Labcorp
Classification: Likely pathogenic. Last evaluated: 2025-11-20. Review status: criteria provided, single submitter. Criteria: Invitae Variant Classification Sherloc (09022015). Collection method: clinical testing. Allele origin: germline.
Comment: This sequence change replaces glycine, which is neutral and non-polar, with valine, which is neutral and non-polar, at codon 188 of the COL4A1 protein (p.Gly188Val). This variant is not present in population databases (gnomAD no frequency). This variant has not been reported in the literature in individuals affected with COL4A1-related conditions. Invitae Evidence Modeling of protein sequence and biophysical properties (such as structural, functional, and spatial information, amino acid conservation, physicochemical variation, residue mobility, and thermodynamic stability) indicates that this missense variant is expected to disrupt COL4A1 protein function with a positive predictive value of 95%. This variant disrupts the triple helix domain of COL4A1. Glycine residues within the Gly-Xaa-Yaa repeats of the triple helix domain are required for the structure and stability of fibrillar collagens (PMID: 7695699, 8218237, 19344236). In COL4A1 variants affecting these glycine residues are significantly enriched in individuals with disease (PMID: 9016532, 17078022) compared to the general population (ExAC). In summary, the currently available evidence indicates that the variant is pathogenic, but additional data are needed to prove that conclusively. Therefore, this variant has been classified as Likely Pathogenic.

Literature cited by the submitters: PubMed 7695699; PubMed 8218237; PubMed 19344236; PubMed 9016532; PubMed 17078022.

NM_001845.6(COL4A1):c.563G>T (p.Gly188Val)

Gene: COL4A1 (collagen type IV alpha 1 chain; minus strand). Cytogenetic location: 13q34.
Variant type: single nucleotide variant.
Coding change: c.563G>T on transcript NM_001845.6 (MANE Select); coding-DNA position 563, G replaced by T.
Protein change: p.Gly188Val; replaces glycine 188 with valine.
Molecular consequence: missense variant.
Genome position (GRCh38, 1-based): chr13:110,210,032, C>A on the plus strand (G>T on the coding strand, the complement: COL4A1 is on the minus strand). VCF-style: chr13-110210032-C-A. GRCh37 (hg19) VCF-style: chr13-110862379-C-A.
Other names: c.563G>T, p.Gly188Val (NM_001303110.2); short protein forms G188V.
Identifiers: ClinVar variation 4746062 (VCV004746062.1).